The following is an entry in ClinVar:

ClinVar aggregate classification (germline): Uncertain significance (1 of 4 stars; one submission).

Allele frequency attached by ClinVar (database versions not stated): TOPMed below 0.00001; gnomAD 0.00001.
gnomAD v4.1: 1 of 1,607,266 alleles (0.000062%); highest among the groups gnomAD compares: African/African-American, 0.0013%; no homozygotes.

Submission:

GeneDx
Classification: Uncertain significance. Last evaluated: 2023-03-30. Review status: criteria provided, single submitter. Criteria: GeneDx Variant Classification Process June 2021. Collection method: clinical testing. Allele origin: germline. Affected: yes.
Comment: Not observed at significant frequency in large population cohorts (gnomAD); In silico analysis supports that this missense variant has a deleterious effect on protein structure/function; Has not been previously published as pathogenic or benign to our knowledge

NM_006494.4(ERF):c.835C>T (p.Pro279Ser)

Gene: ERF (ETS2 repressor factor; minus strand). Cytogenetic location: 19q13.2.
Variant type: single nucleotide variant.
Coding change: c.835C>T on transcript NM_006494.4 (MANE Select); coding-DNA position 835, C replaced by T.
Protein change: p.Pro279Ser; replaces proline 279 with serine.
Molecular consequence: missense variant.
Genome position (GRCh38, 1-based): chr19:42,249,277, G>A on the plus strand (C>T on the coding strand, the complement: ERF is on the minus strand). VCF-style: chr19-42249277-G-A. GRCh37 (hg19) VCF-style: chr19-42753429-G-A.
Other names: c.610C>T, p.Pro204Ser (NM_001301035.2, NM_001308402.2, NM_001312656.2); short protein forms P204S, P279S.
Identifiers: ClinVar variation 2581898 (VCV002581898.1), dbSNP rs2036396774, ClinGen allele CA406110175.